The following is an entry in ClinVar:

NM_006904.7(PRKDC):c.2284T>A (p.Tyr762Asn)

Gene: PRKDC (protein kinase, DNA-activated, catalytic subunit; minus strand). Cytogenetic location: 8q11.21.
Variant type: single nucleotide variant.
Coding change: c.2284T>A on transcript NM_006904.7 (MANE Select); coding-DNA position 2284, T replaced by A.
Protein change: p.Tyr762Asn; replaces tyrosine 762 with asparagine.
Molecular consequence: missense variant.
Genome position (GRCh38, 1-based): chr8:47,927,329, A>T on the plus strand (T>A on the coding strand, the complement: PRKDC is on the minus strand). VCF-style: chr8-47927329-A-T. GRCh37 (hg19) VCF-style: chr8-48839889-A-T.
Other names: c.2284T>A, p.Tyr762Asn (NM_001081640.2); short protein forms Y762N.
Identifiers: ClinVar variation 2626358 (VCV002626358.2), dbSNP rs528896578, ClinGen allele CA4741474.

ClinVar aggregate classification (germline): Uncertain significance (1 of 4 stars; one submission).

Allele frequency attached by ClinVar (database versions not stated): ExAC 0.00001; gnomAD 0.00001; 1000 Genomes Project 30x 0.00016; 1000 Genomes Project 0.00020.
gnomAD v4.1: 3 of 1,613,252 alleles (0.00019%); highest among the groups gnomAD compares: East Asian, 0.0022%; no homozygotes.

Submission:

Ambry Genetics
Classification: Uncertain significance. Last evaluated: 2023-08-29. Review status: criteria provided, single submitter. Criteria: Ambry Variant Classification Scheme 2023. Collection method: clinical testing. Allele origin: germline.
Comment: The p.Y762N variant (also known as c.2284T>A), located in coding exon 21 of the PRKDC gene, results from a T to A substitution at nucleotide position 2284. The tyrosine at codon 762 is replaced by asparagine, an amino acid with dissimilar properties. This amino acid position is conserved. In addition, this alteration is predicted to be tolerated by in silico analysis. Since supporting evidence is limited at this time, the clinical significance of this alteration remains unclear.